The following is an entry in ClinVar:

ClinVar aggregate classification (germline): Uncertain significance (1 of 4 stars; one submission).

Conditions:
Atypical glycine encephalopathy. Also called: Glycine encephalopathy with normal serum glycine. Identifiers: Orphanet 289863, MedGen C4310943, MONDO:0015010, OMIM 617301.

Allele frequency attached by ClinVar (database versions not stated): gnomAD exomes 0.00001.
gnomAD v4.1: 10 of 1,613,734 alleles (0.00062%); highest among the groups gnomAD compares: Non-Finnish European, 0.00076%; no homozygotes.

Submission:

Labcorp Genetics (formerly Invitae), Labcorp
Classification: Uncertain significance for Atypical glycine encephalopathy. Last evaluated: 2024-10-24. Review status: criteria provided, single submitter. Criteria: Invitae Variant Classification Sherloc (09022015). Collection method: clinical testing. Allele origin: germline.
Comment: This sequence change replaces alanine, which is neutral and non-polar, with glycine, which is neutral and non-polar, at codon 82 of the SLC6A9 protein (p.Ala82Gly). This variant is not present in population databases (gnomAD no frequency). This missense change has been observed in individual(s) with clinical features of glycine encephalopathy (PMID: 34740919). ClinVar contains an entry for this variant (Variation ID: 2081915). An algorithm developed to predict the effect of missense changes on protein structure and function (PolyPhen-2) suggests that this variant is likely to be tolerated. In summary, the available evidence is currently insufficient to determine the role of this variant in disease. Therefore, it has been classified as a Variant of Uncertain Significance.

Literature cited by the submitters: PubMed 34740919.

NM_001024845.3(SLC6A9):c.31-683C>G

Gene: SLC6A9 (solute carrier family 6 member 9; minus strand). Cytogenetic location: 1p34.1.
Variant type: single nucleotide variant.
Coding change: c.31-683C>G on transcript NM_001024845.3 (MANE Select); 683 bases into the intron before coding-DNA position 31, C replaced by G.
Molecular consequence: intron variant. On other transcripts: missense variant (1).
Genome position (GRCh38, 1-based): chr1:44,011,565, G>C on the plus strand (C>G on the coding strand, the complement: SLC6A9 is on the minus strand). VCF-style: chr1-44011565-G-C. GRCh37 (hg19) VCF-style: chr1-44477237-G-C.
Other names: c.245C>G, p.Ala82Gly (NM_201649.4); c.-14-2942C>G (NM_001328630.2, NM_001328626.2); c.31-683C>G (NM_001328629.1); c.125-2942C>G (NM_001328628.1); c.125-1469C>G (NM_001328627.1); c.88-683C>G (NM_001261380.2, NM_006934.4); short protein forms A82G.
Identifiers: ClinVar variation 2081915 (VCV002081915.3), dbSNP rs750093782, ClinGen allele CA817922.
Genomic context (GRCh38, chr1:44,011,565, plus strand): 5'-GGTCCGGGGAGCTAGCTACACTGCCCATGGCTGGGGAGGGGCCCTGGGGAGCTGACCTGG[G>C]CCATGGCTAGGGAGTGCTGGGCCATGAGTTGGGGAAGGAGACCAGAGTTGTAGGCCCCAT-3'